The following is an entry in ClinVar:

NM_012200.4(B3GAT3):c.202C>G (p.Pro68Ala)

Gene: B3GAT3 (beta-1,3-glucuronyltransferase 3; minus strand). Cytogenetic location: 11q12.3.
Variant type: single nucleotide variant.
Coding change: c.202C>G on transcript NM_012200.4 (MANE Select); coding-DNA position 202, C replaced by G.
Protein change: p.Pro68Ala; replaces proline 68 with alanine.
Molecular consequence: missense variant. On other transcripts: non-coding transcript variant (1).
Genome position (GRCh38, 1-based): chr11:62,620,552, G>C on the plus strand (C>G on the coding strand, the complement: B3GAT3 is on the minus strand). VCF-style: chr11-62620552-G-C. GRCh37 (hg19) VCF-style: chr11-62388024-G-C.
Other names: c.181C>G, p.Pro61Ala (NM_001288721.2); c.202C>G, p.Pro68Ala (NM_001288722.2, NM_001288723.2); c.202C>G (NM_012200.3); short protein forms P61A, P68A.
Identifiers: ClinVar variation 2149208 (VCV002149208.4), dbSNP rs200817074, ClinGen allele CA380980804.

ClinVar aggregate classification (germline): Uncertain significance. Review status: criteria provided, multiple submitters, no conflicts (2 of 4 stars). 2 submissions from 2 submitters: Uncertain significance (2). Last evaluated 2022-06-29.

Conditions:
Larsen-like syndrome, B3GAT3 type. Also called: MULTIPLE JOINT DISLOCATIONS, SHORT STATURE, AND CRANIOFACIAL DYSMORPHISM WITH OR WITHOUT CONGENITAL HEART DEFECTS; Multiple joint dislocations, short stature, craniofacial dysmorphism, with or without congenital heart defects. Identifiers: Orphanet 284139, MedGen CN034159, MONDO:0009511, OMIM 245600.
Inborn genetic diseases. Identifiers: MedGen C0950123, MeSH D030342.

gnomAD v4.1: 5 of 1,612,768 alleles (0.00031%); highest among the groups gnomAD compares: Admixed American, 0.0033%; no homozygotes.

Submissions (2):

Ambry Genetics
Classification: Uncertain significance for Inborn genetic diseases. Last evaluated: 2022-06-29. Review status: criteria provided, single submitter. Criteria: Ambry Variant Classification Scheme 2023. Collection method: clinical testing. Allele origin: germline.

Labcorp Genetics (formerly Invitae), Labcorp
Classification: Uncertain significance for Larsen-like syndrome, B3GAT3 type. Last evaluated: 2022-06-14. Review status: criteria provided, single submitter. Criteria: Invitae Variant Classification Sherloc (09022015). Collection method: clinical testing. Allele origin: germline.
Comment: This sequence change replaces proline, which is neutral and non-polar, with alanine, which is neutral and non-polar, at codon 68 of the B3GAT3 protein (p.Pro68Ala). This variant is present in population databases (no rsID available, gnomAD 0.003%). This variant has not been reported in the literature in individuals affected with B3GAT3-related conditions. Algorithms developed to predict the effect of missense changes on protein structure and function (SIFT, PolyPhen-2, Align-GVGD) all suggest that this variant is likely to be tolerated. In summary, the available evidence is currently insufficient to determine the role of this variant in disease. Therefore, it has been classified as a Variant of Uncertain Significance.